The following is an entry in ClinVar:

ClinVar aggregate classification (germline): Pathogenic. Review status: criteria provided, multiple submitters, no conflicts (2 of 4 stars). 2 submissions from 2 submitters: Pathogenic (2). Last evaluated 2021-11-02.

Conditions:
Hereditary cancer-predisposing syndrome. Also called: Tumor predisposition; Neoplastic Syndromes, Hereditary; Hereditary Cancer Syndrome; Hereditary neoplastic syndrome. Identifiers: Orphanet 140162, MedGen C0027672, MeSH D009386, MONDO:0015356.
Ataxia-telangiectasia syndrome (AT). Also called: Ataxia-telangiectasia; LOUIS-BAR SYNDROME; Ataxia-telangiectasia, complementation group D; AT, COMPLEMENTATION GROUP C; ATAXIA-TELANGIECTASIA, COMPLEMENTATION GROUP A; ATAXIA-TELANGIECTASIA, FRESNO VARIANT. Identifiers: Orphanet 100, MedGen C0004135, MONDO:0008840, OMIM 208900.

Submissions (2):

Color Diagnostics, LLC DBA Color Health
Classification: Pathogenic for Hereditary cancer-predisposing syndrome. Last evaluated: 2021-11-02. Review status: criteria provided, single submitter. Criteria: ACMG Guidelines, 2015. Collection method: clinical testing. Allele origin: germline.
Comment: This variant changes 1 nucleotide in exon 55 of the ATM gene, creating a premature translation stop signal. This variant is expected to result in an absent or non-functional protein product. To our knowledge, this variant has not been reported in individuals affected with hereditary cancer in the literature. This variant has not been identified in the general population by the Genome Aggregation Database (gnomAD). Loss of ATM function is a known mechanism of disease. Based on the available evidence, this variant is classified as Pathogenic.

Labcorp Genetics (formerly Invitae), Labcorp
Classification: Pathogenic for Ataxia-telangiectasia syndrome. Last evaluated: 2021-02-14. Review status: criteria provided, single submitter. Criteria: Invitae Variant Classification Sherloc (09022015). Collection method: clinical testing. Allele origin: germline.
Comment: This variant is not present in population databases (ExAC no frequency). This sequence change creates a premature translational stop signal (p.Gly2694*) in the ATM gene. It is expected to result in an absent or disrupted protein product. Loss-of-function variants in ATM are known to be pathogenic (PMID: 23807571, 25614872). This variant has not been reported in the literature in individuals with ATM-related conditions. For these reasons, this variant has been classified as Pathogenic.

Literature cited by the submitters: PubMed 23807571 (cited by Labcorp Genetics (formerly Invitae), Labcorp); PubMed 25614872 (cited by Labcorp Genetics (formerly Invitae), Labcorp).

NM_000051.4(ATM):c.8080G>T (p.Gly2694Ter)

Genes: ATM (ATM serine/threonine kinase; plus strand), C11orf65 (chromosome 11 open reading frame 65; minus strand). Cytogenetic location: 11q22.3.
Variant type: single nucleotide variant.
Coding change: c.8080G>T on transcript NM_000051.4 (MANE Select); coding-DNA position 8080, G replaced by T.
Protein change: p.Gly2694Ter; replaces glycine 2694 with a stop codon.
Molecular consequence: nonsense. On other transcripts: intron variant (2).
Genome position (GRCh38, 1-based): chr11:108,335,038, G>T. VCF-style: chr11-108335038-G-T. GRCh37 (hg19) VCF-style: chr11-108205765-G-T.
Other names: c.8080G>T, p.Gly2694Ter (NM_001351834.2); c.641-25967C>A (NM_001330368.2); c.*38+182C>A (NM_001351110.2); short protein forms G2694*.
Identifiers: ClinVar variation 1368500 (VCV001368500.7), dbSNP rs1555127157, ClinGen allele CA382562028.